The following is an entry in ClinVar:

NM_002693.3(POLG):c.2429C>T (p.Ser810Phe)

Gene: POLG (DNA polymerase gamma, catalytic subunit; minus strand). Cytogenetic location: 15q26.1.
Variant type: single nucleotide variant.
Coding change: c.2429C>T on transcript NM_002693.3 (MANE Select); coding-DNA position 2429, C replaced by T.
Protein change: p.Ser810Phe; replaces serine 810 with phenylalanine.
Molecular consequence: missense variant.
Genome position (GRCh38, 1-based): chr15:89,322,013, G>A on the plus strand (C>T on the coding strand, the complement: POLG is on the minus strand). VCF-style: chr15-89322013-G-A. GRCh37 (hg19) VCF-style: chr15-89865244-G-A.
Other names: c.2429C>T, p.Ser810Phe (NM_001126131.2); short protein forms S810F.
Identifiers: ClinVar variation 1305554 (VCV001305554.2), dbSNP rs1023975185, ClinGen allele CA393755021.

ClinVar aggregate classification (germline): Uncertain significance (1 of 4 stars; one submission).

Allele frequency attached by ClinVar (database versions not stated): gnomAD exomes below 0.00001.
gnomAD v4.1: 1 of 1,614,104 alleles (0.000062%); highest among the groups gnomAD compares: Non-Finnish European, 0.000085%; no homozygotes.

Submission:

GeneDx
Classification: Uncertain significance. Last evaluated: 2019-05-14. Review status: criteria provided, single submitter. Criteria: GeneDx Variant Classification Process June 2021. Collection method: clinical testing. Allele origin: germline. Affected: yes.
Comment: Not observed in large population cohorts (Lek et al., 2016); In silico analysis, which includes protein predictors and evolutionary conservation, supports a deleterious effect; Has not been previously published as pathogenic or benign to our knowledge